The following is an entry in ClinVar:

NM_000268.4(NF2):c.1591A>G (p.Lys531Glu)

Gene: NF2 (NF2, moesin-ezrin-radixin like (MERLIN) tumor suppressor; plus strand). Cytogenetic location: 22q12.2.
Variant type: single nucleotide variant.
Coding change: c.1591A>G on transcript NM_000268.4 (MANE Select); coding-DNA position 1591, A replaced by G.
Protein change: p.Lys531Glu; replaces lysine 531 with glutamic acid.
Molecular consequence: missense variant. On other transcripts: intron variant (3).
Genome position (GRCh38, 1-based): chr22:29,681,455, A>G. VCF-style: chr22-29681455-A-G. GRCh37 (hg19) VCF-style: chr22-30077444-A-G.
Other names: c.1477A>G, p.Lys493Glu (NM_001407053.1, NM_001407056.1); c.1468A>G, p.Lys490Glu (NM_001407054.1, NM_001407058.1, NM_181829.3); c.1465A>G, p.Lys489Glu (NM_001407055.1, NM_181828.3); c.1456A>G, p.Lys486Glu (NM_001407057.1, NM_001407059.1); c.1333A>G, p.Lys445Glu (NM_001407062.1); c.1342A>G, p.Lys448Glu (NM_001407063.1, NM_181830.3, NM_181831.3); c.1057A>G, p.Lys353Glu (NM_001407065.1); c.1591A>G, p.Lys531Glu (NM_001407066.1, NM_016418.5, NM_181825.3 and 1 more transcripts); and 4 more; short protein forms K489E, K445E, K493E, K454E, K486E, K490E, K531E, K353E.
Identifiers: ClinVar variation 3404976 (VCV003404976.1).
Genomic context (GRCh38, chr22:29,681,455, plus strand): 5'-ACTGTCTGCCCAAGCCCTGATGCATGATACCCTCTTGCCGGCAGAGTGGAATACATGGAA[A>G]AGAGCAAGCATCTGCAGGAGCAGCTCAATGAACTCAAGACAGAAATCGAGGCCTTGAAAC-3'
Protein context (NP_000259.1, residues 521-541): IEKEKVEYME[Lys531Glu]SKHLQEQLNE

ClinVar aggregate classification (germline): Uncertain significance (1 of 4 stars; one submission).

Conditions:
Hereditary cancer-predisposing syndrome. Also called: Hereditary Cancer Syndrome; Tumor predisposition; Hereditary neoplastic syndrome; Neoplastic Syndromes, Hereditary. Identifiers: Orphanet 140162, MedGen C0027672, MeSH D009386, MONDO:0015356.

gnomAD v4.1: 3 of 1,614,168 alleles (0.00019%); highest among the groups gnomAD compares: Non-Finnish European, 0.00025%; no homozygotes.

Submission:

Ambry Genetics
Classification: Uncertain significance for Hereditary cancer-predisposing syndrome. Last evaluated: 2024-06-25. Review status: criteria provided, single submitter. Criteria: Ambry Variant Classification Scheme 2023. Collection method: clinical testing. Allele origin: germline.
Comment: The p.K531E variant (also known as c.1591A>G), located in coding exon 15 of the NF2 gene, results from an A to G substitution at nucleotide position 1591. The lysine at codon 531 is replaced by glutamic acid, an amino acid with similar properties. This amino acid position is well conserved in available vertebrate species. In addition, this alteration is predicted to be deleterious by in silico analysis. Based on the available evidence, the clinical significance of this variant remains unclear.